The following is an entry in ClinVar:

NM_001035.3(RYR2):c.1468C>T (p.Gln490Ter)

Gene: RYR2 (ryanodine receptor 2; plus strand). Cytogenetic location: 1q43.
Variant type: single nucleotide variant.
Coding change: c.1468C>T on transcript NM_001035.3 (MANE Select); coding-DNA position 1468, C replaced by T.
Protein change: p.Gln490Ter; replaces glutamine 490 with a stop codon.
Molecular consequence: nonsense.
Genome position (GRCh38, 1-based): chr1:237,454,566, C>T. VCF-style: chr1-237454566-C-T. GRCh37 (hg19) VCF-style: chr1-237617866-C-T.
Other names: short protein forms Q490*.
Identifiers: ClinVar variation 1683271 (VCV001683271.2), dbSNP rs2150218274, ClinGen allele CA345380750.

ClinVar aggregate classification (germline): Uncertain significance. Review status: criteria provided, multiple submitters, no conflicts (2 of 4 stars). 2 submissions from 2 submitters: Uncertain significance (2). Last evaluated 2025-06-26.

Conditions:
Cardiomyopathy (CMYO). Also called: Cardiomyopathies. Identifiers: Orphanet 167848, MedGen C0878544, MONDO:0004994, HP:0001638. Inheritance: Various modes of inheritance.

Submissions (2):

Color Diagnostics, LLC DBA Color Health
Classification: Uncertain significance for Cardiomyopathy. Last evaluated: 2025-06-26. Review status: criteria provided, single submitter. Criteria: ACMG Guidelines, 2015. Collection method: clinical testing. Allele origin: germline.
Comment: This variant changes 1 nucleotide in exon 15 of the RYR2 gene, creating a premature translation stop signal. This variant is expected to result in an absent or non-functional protein product. To our knowledge, this variant has not been reported in individuals affected with RYR2-related disorders in the literature. This variant has not been identified in the general population by the Genome Aggregation Database (gnomAD). Clinical relevance of loss-of-function RYR2 truncation variants in autosomal dominant cardiovascular disorders is not clearly established. The available evidence is insufficient to determine the role of this variant in disease conclusively. Therefore, this variant is classified as a Variant of Uncertain Significance.

Women's Health and Genetics/Laboratory Corporation of America, LabCorp
Classification: Uncertain significance. Last evaluated: 2022-04-18. Review status: criteria provided, single submitter. Criteria: LabCorp Variant Classification Summary - May 2015. Collection method: clinical testing. Allele origin: germline.
Comment: Variant summary: RYR2 c.1468C>T (p.Gln490X) results in a premature termination codon, predicted to cause a truncation of the encoded protein or absence of the protein due to nonsense mediated decay. The predominant RYR2 mutational spectrum involves missense variants in individuals with Catecholaminergic Polymorphic Ventricular Tachycardia. Therefore, the impact of loss of function variants in RYR2 on disease is not well established. The variant was absent in 247810 control chromosomes. The available data on variant occurrences in the general population are insufficient to allow any conclusion about variant significance. To our knowledge, no occurrence of c.1468C>T in individuals affected with Catecholaminergic Polymorphic Ventricular Tachycardia and no experimental evidence demonstrating its impact on protein function have been reported. No clinical diagnostic laboratories have submitted clinical-significance assessments for this variant to ClinVar after 2014. Based on the evidence outlined above, the variant was classified as uncertain significance.